The following is an entry in ClinVar:

NM_000038.6(APC):c.6162A>G (p.Ser2054=)

Gene: APC (APC regulator of Wnt signaling pathway; plus strand). Cytogenetic location: 5q22.2.
Variant type: single nucleotide variant.
Coding change: c.6162A>G on transcript NM_000038.6 (MANE Select); coding-DNA position 6162, A replaced by G.
Protein change: p.Ser2054=; no amino-acid change (serine 2054 retained).
Molecular consequence: synonymous variant.
Genome position (GRCh38, 1-based): chr5:112,841,756, A>G. VCF-style: chr5-112841756-A-G. GRCh37 (hg19) VCF-style: chr5-112177453-A-G.
Other names: c.6162A>G, p.Ser2054= (NM_001127510.3, NM_001354895.2); c.6108A>G, p.Ser2036= (NM_001127511.3); c.6216A>G, p.Ser2072= (NM_001354896.2); c.6192A>G, p.Ser2064= (NM_001354897.2); c.6087A>G, p.Ser2029= (NM_001354898.2); c.6078A>G, p.Ser2026= (NM_001354899.2); c.6039A>G, p.Ser2013= (NM_001354900.2); c.5985A>G, p.Ser1995= (NM_001354901.2); and 5 more.
Identifiers: ClinVar variation 482238 (VCV000482238.29), dbSNP rs776160547, ClinGen allele CA043990.

ClinVar aggregate classification (germline): Benign/Likely benign. Review status: criteria provided, multiple submitters, no conflicts (2 of 4 stars). 11 submissions from 11 submitters: Benign (1); Likely benign (9). 1 of the submissions does not count toward it. Last evaluated 2026-01-06.

Conditions:
Hereditary cancer-predisposing syndrome. Also called: Tumor predisposition; Hereditary Cancer Syndrome; Neoplastic Syndromes, Hereditary; Hereditary neoplastic syndrome. Identifiers: Orphanet 140162, MedGen C0027672, MeSH D009386, MONDO:0015356.
Familial adenomatous polyposis 1 (FAP1). Also called: POLYPOSIS, ADENOMATOUS INTESTINAL; FAMILIAL ADENOMATOUS POLYPOSIS 1, ATTENUATED. Identifiers: MedGen C2713442, MONDO:0021056, OMIM 175100. Disease mechanism: loss of function.
APC-related disorder. Also called: APC-related condition.
Classic or attenuated familial adenomatous polyposis. Identifiers: MedGen CN372698, MONDO:0021057.

Allele frequency attached by ClinVar (database versions not stated): gnomAD below 0.00001 and 0.00001; TOPMed below 0.00001.
gnomAD v4.1: 55 of 1,613,954 alleles (0.0034%); highest among the groups gnomAD compares: South Asian, 0.04%; 1 homozygote.

Submissions (11):

Labcorp Genetics (formerly Invitae), Labcorp
Classification: Likely benign for Familial adenomatous polyposis 1. Last evaluated: 2026-01-06. Review status: criteria provided, single submitter. Criteria: Invitae Variant Classification Sherloc (09022015). Collection method: clinical testing. Allele origin: germline.

Hereditary Cancer Laboratory, Hospital Universitario 12 de Octubre
Classification: Likely benign for Hereditary cancer-predisposing syndrome. Last evaluated: 2024-06-10. Review status: criteria provided, single submitter. Criteria: ACMG Guidelines, 2015. Collection method: clinical testing. Allele origin: germline.
Comment: PM2sup+BP4+BP6

All of Us Research Program, National Institutes of Health
Classification: Likely benign for Classic or attenuated familial adenomatous polyposis. Last evaluated: 2024-05-14. Review status: criteria provided, single submitter. Criteria: ACMG Guidelines, 2015. Collection method: clinical testing. Allele origin: germline. Inheritance: Autosomal dominant inheritance. Observed: 1 variant allele, 1 heterozygote.
Comment: This study involves interpretation of variants in research participants for the purpose of population health screening. Participant phenotype was not available at the time of variant classification. Additional details can be found in publication PMID: 35346344, PMCID: PMC8962531

Myriad Genetics, Inc.
Classification: Benign for Familial adenomatous polyposis 1. Last evaluated: 2024-04-03. Review status: criteria provided, single submitter. Criteria: Myriad Autosomal Dominant, Autosomal Recessive and X-Linked Classification Criteria (2023). Collection method: clinical testing. Allele origin: unknown.
Comment: This variant is considered benign. This variant is a silent/synonymous amino acid change and it is not expected to impact splicing.

Blueprint Genetics
Classification: Likely benign. Last evaluated: 2022-03-18. Review status: criteria provided, single submitter. Criteria: ACMG Guidelines, 2015. Collection method: clinical testing. Allele origin: germline.

Women's Health and Genetics/Laboratory Corporation of America, LabCorp
Classification: Likely benign. Last evaluated: 2021-05-08. Review status: criteria provided, single submitter. Criteria: LabCorp Variant Classification Summary - May 2015. Collection method: clinical testing. Allele origin: germline.

GeneDx
Classification: Likely benign. Last evaluated: 2019-07-30. Review status: criteria provided, single submitter. Criteria: GeneDx Variant Classification Process June 2021. Collection method: clinical testing. Allele origin: germline. Affected: yes.
Comment: Not observed at a significant frequency in large population cohorts (Lek et al., 2016)

Quest Diagnostics Nichols Institute San Juan Capistrano
Classification: Likely benign. Last evaluated: 2017-10-27. Review status: criteria provided, single submitter. Criteria: Quest Diagnostics criteria. Collection method: clinical testing. Allele origin: germline.

Color Diagnostics, LLC DBA Color Health
Classification: Likely benign for Hereditary cancer-predisposing syndrome. Last evaluated: 2017-10-20. Review status: criteria provided, single submitter. Criteria: ACMG Guidelines, 2015. Collection method: clinical testing. Allele origin: germline.

Ambry Genetics
Classification: Likely benign for Hereditary cancer-predisposing syndrome. Last evaluated: 2015-01-03. Review status: criteria provided, single submitter. Criteria: Ambry Variant Classification Scheme 2023. Collection method: clinical testing. Allele origin: germline.

PreventionGenetics, part of Exact Sciences
Classification: Likely benign for APC-related condition. Last evaluated: 2020-07-24. Review status: no assertion criteria provided. Collection method: clinical testing. Allele origin: germline. Not counted in ClinVar's aggregate classification.
Comment: This variant is classified as likely benign based on ACMG/AMP sequence variant interpretation guidelines (Richards et al. 2015 PMID: 25741868, with internal and published modifications).